The following is an entry in ClinVar:

NM_001035.3(RYR2):c.6336C>T (p.Ser2112=)

Gene: RYR2 (ryanodine receptor 2; plus strand). Cytogenetic location: 1q43.
Variant type: single nucleotide variant.
Coding change: c.6336C>T on transcript NM_001035.3 (MANE Select); coding-DNA position 6336, C replaced by T.
Protein change: p.Ser2112=; no amino-acid change (serine 2112 retained).
Molecular consequence: synonymous variant.
Genome position (GRCh38, 1-based): chr1:237,627,976, C>T. VCF-style: chr1-237627976-C-T. GRCh37 (hg19) VCF-style: chr1-237791276-C-T.
Other names: c.6336C>T, p.Ser2112= (LRG_402t1).
Identifiers: ClinVar variation 496095 (VCV000496095.17), dbSNP rs373777614, ClinGen allele CA087093.

ClinVar aggregate classification (germline): Likely benign. Review status: criteria provided, multiple submitters, no conflicts (2 of 4 stars). 6 submissions from 6 submitters: Likely benign (6). Last evaluated 2025-11-21.

Conditions:
Cardiovascular phenotype. Identifiers: MedGen CN230736.
Catecholaminergic polymorphic ventricular tachycardia (CVPT). Also called: Catecholamine-induced polymorphic ventricular tachycardia. Identifiers: Orphanet 3286, MedGen C5574922, MONDO:0017990.
Catecholaminergic polymorphic ventricular tachycardia 1. Also called: RYR2-Related Catecholaminergic Polymorphic Ventricular Tachycardia; VENTRICULAR TACHYCARDIA, STRESS-INDUCED POLYMORPHIC 1; VENTRICULAR TACHYCARDIA, CATECHOLAMINERGIC POLYMORPHIC, 1, WITH OR WITHOUT ATRIAL DYSFUNCTION AND/OR DILATED CARDIOMYOPATHY. Identifiers: Orphanet 3286, MedGen C1631597, MONDO:0011484, OMIM 604772.
Cardiomyopathy (CMYO). Also called: Cardiomyopathies. Identifiers: Orphanet 167848, MedGen C0878544, MONDO:0004994, HP:0001638. Inheritance: Various modes of inheritance.

Allele frequency attached by ClinVar (database versions not stated): gnomAD 0.00001; ExAC 0.00002; gnomAD exomes 0.00002; TOPMed 0.00002; ESP Exome Variant Server 0.00008.
gnomAD v4.1: 37 of 1,613,740 alleles (0.0023%); highest among the groups gnomAD compares: Middle Eastern, 0.016%; 1 homozygote.

Submissions (6):

Labcorp Genetics (formerly Invitae), Labcorp
Classification: Likely benign for Catecholaminergic polymorphic ventricular tachycardia 1. Last evaluated: 2025-11-21. Review status: criteria provided, single submitter. Criteria: Invitae Variant Classification Sherloc (09022015). Collection method: clinical testing. Allele origin: germline.

All of Us Research Program, National Institutes of Health
Classification: Likely benign for Catecholaminergic polymorphic ventricular tachycardia. Last evaluated: 2023-12-13. Review status: criteria provided, single submitter. Criteria: ACMG Guidelines, 2015. Collection method: clinical testing. Allele origin: germline. Inheritance: Autosomal dominant inheritance. Observed: 3 variant alleles, 3 heterozygotes.
Comment: This study involves interpretation of variants in research participants for the purpose of population health screening. Participant phenotype was not available at the time of variant classification. Additional details can be found in publication PMID: 35346344, PMCID: PMC8962531

Blueprint Genetics
Classification: Likely benign. Last evaluated: 2023-10-17. Review status: criteria provided, single submitter. Criteria: ACMG Guidelines, 2015. Collection method: clinical testing. Allele origin: germline.

Ambry Genetics
Classification: Likely benign for Cardiovascular phenotype. Last evaluated: 2020-06-09. Review status: criteria provided, single submitter. Criteria: Ambry Variant Classification Scheme 2023. Collection method: clinical testing. Allele origin: germline.

Color Diagnostics, LLC DBA Color Health
Classification: Likely benign for Cardiomyopathy. Last evaluated: 2018-10-08. Review status: criteria provided, single submitter. Criteria: ACMG Guidelines, 2015. Collection method: clinical testing. Allele origin: germline.

Women's Health and Genetics/Laboratory Corporation of America, LabCorp
Classification: Likely benign. Last evaluated: 2016-09-05. Review status: criteria provided, single submitter. Criteria: LabCorp Variant Classification Summary - May 2015. Collection method: clinical testing. Allele origin: germline.
Comment: Variant summary: The RYR2 c.6336C>T (p.Ser2112Ser) variant involves the alteration of a non-conserved nucleotide, resulting in a synonymous change. One in silico tool predicts a damaging outcome for this variant. 5/5 splice prediction tools predict no significant impact on normal splicing. This variant was found in 3/120348 control chromosomes, predominantly observed in the South Asian subpopulation at a frequency of 0.0001821 (3/16474). This frequency is about 3 times the estimated maximal expected allele frequency of a pathogenic RYR2 variant (0.000055), suggesting this is likely a benign polymorphism found primarily in the populations of South Asian origin. The variant of interest has been reported as a somatic variant in two carcinoma samples (breast and skin) in COSMIC without strong evidence for pathogenicity. Taken together, this variant is classified as likely benign.